The following is an entry in ClinVar:

NM_172107.4(KCNQ2):c.2197G>A (p.Val733Met)

Gene: KCNQ2 (potassium voltage-gated channel subfamily Q member 2; minus strand). Cytogenetic location: 20q13.33.
Variant type: single nucleotide variant.
Coding change: c.2197G>A on transcript NM_172107.4 (MANE Select); coding-DNA position 2197, G replaced by A.
Protein change: p.Val733Met; replaces valine 733 with methionine.
Molecular consequence: missense variant.
Genome position (GRCh38, 1-based): chr20:63,407,066, C>T on the plus strand (G>A on the coding strand, the complement: KCNQ2 is on the minus strand). VCF-style: chr20-63407066-C-T. GRCh37 (hg19) VCF-style: chr20-62038419-C-T.
Other names: c.2113G>A, p.Val705Met (NM_004518.6); c.2143G>A, p.Val715Met (NM_172106.3); c.2104G>A, p.Val702Met (NM_172108.5); short protein forms V705M, V715M, V702M, V733M.
Identifiers: ClinVar variation 850259 (VCV000850259.35), dbSNP rs756563523, ClinGen allele CA9958128.

ClinVar aggregate classification (germline): Uncertain significance. Review status: criteria provided, multiple submitters, no conflicts (2 of 4 stars). 3 submissions from 3 submitters: Uncertain significance (3). Last evaluated 2024-02-05.

Conditions:
Early-infantile DEE. Also called: Early infantile epileptic encephalopathy; Ohtahara syndrome; Early infantile epileptic encephalopathy with suppression bursts. Identifiers: Orphanet 1934, MedGen C0393706, MONDO:0800491.

Allele frequency attached by ClinVar (database versions not stated): TOPMed 0.00001.
gnomAD v4.1: 9 of 1,524,170 alleles (0.00059%); highest among the groups gnomAD compares: East Asian, 0.0049%; no homozygotes.

Submissions (3):

Labcorp Genetics (formerly Invitae), Labcorp
Classification: Uncertain significance for Early-infantile DEE. Last evaluated: 2024-02-05. Review status: criteria provided, single submitter. Criteria: Invitae Variant Classification Sherloc (09022015). Collection method: clinical testing. Allele origin: germline.
Comment: This sequence change replaces valine, which is neutral and non-polar, with methionine, which is neutral and non-polar, at codon 733 of the KCNQ2 protein (p.Val733Met). This variant is not present in population databases (gnomAD no frequency). This variant has not been reported in the literature in individuals affected with KCNQ2-related conditions. ClinVar contains an entry for this variant (Variation ID: 850259). An algorithm developed to predict the effect of missense changes on protein structure and function (PolyPhen-2) suggests that this variant is likely to be tolerated. In summary, the available evidence is currently insufficient to determine the role of this variant in disease. Therefore, it has been classified as a Variant of Uncertain Significance.

Blueprint Genetics
Classification: Uncertain significance. Last evaluated: 2023-10-30. Review status: criteria provided, single submitter. Criteria: ACMG Guidelines, 2015. Collection method: clinical testing. Allele origin: germline.

CeGaT Center for Human Genetics Tuebingen
Classification: Uncertain significance. Last evaluated: 2023-09-01. Review status: criteria provided, single submitter. Criteria: CeGaT Center For Human Genetics Tuebingen Variant Classification Criteria Version 2. Collection method: clinical testing. Allele origin: germline. Affected: yes. Observed: 1 variant allele.
Comment: KCNQ2: PP2